The following is an entry in ClinVar:

NM_001735.3(C5):c.2563-3C>T

Gene: C5 (complement C5; minus strand). Cytogenetic location: 9q33.2.
Variant type: single nucleotide variant.
Coding change: c.2563-3C>T on transcript NM_001735.3 (MANE Select); 3 bases into the intron before coding-DNA position 2563, C replaced by T.
Molecular consequence: intron variant.
Genome position (GRCh38, 1-based): chr9:120,997,777, G>A on the plus strand (C>T on the coding strand, the complement: C5 is on the minus strand). VCF-style: chr9-120997777-G-A. GRCh37 (hg19) VCF-style: chr9-123760055-G-A.
Other names: c.2581-3C>T (NM_001317163.2).
Identifiers: ClinVar variation 1524444 (VCV001524444.6), dbSNP rs2131724077, ClinGen allele CA2573143861.

ClinVar aggregate classification (germline): Uncertain significance (1 of 4 stars; one submission).

Allele frequency attached by ClinVar (database versions not stated): gnomAD exomes below 0.00001.
gnomAD v4.1: 1 of 1,608,842 alleles (0.000062%); highest among the groups gnomAD compares: Non-Finnish European, 0.000085%; no homozygotes.

Submission:

Labcorp Genetics (formerly Invitae), Labcorp
Classification: Uncertain significance. Last evaluated: 2021-10-11. Review status: criteria provided, single submitter. Criteria: Invitae Variant Classification Sherloc (09022015). Collection method: clinical testing. Allele origin: germline.
Comment: In summary, the available evidence is currently insufficient to determine the role of this variant in disease. Therefore, it has been classified as a Variant of Uncertain Significance. Variants that disrupt the consensus splice site are a relatively common cause of aberrant splicing (PMID: 17576681, 9536098). Algorithms developed to predict the effect of sequence changes on RNA splicing suggest that this variant is not likely to affect RNA splicing. This variant has not been reported in the literature in individuals affected with C5-related conditions. This variant is not present in population databases (ExAC no frequency). This sequence change falls in intron 20 of the C5 gene. It does not directly change the encoded amino acid sequence of the C5 protein. It affects a nucleotide within the consensus splice site.

Literature cited by the submitters: PubMed 17576681; PubMed 9536098.